The following is an entry in ClinVar:

ClinVar aggregate classification (germline): Uncertain significance (1 of 4 stars; one submission).

Allele frequency attached by ClinVar (database versions not stated): ExAC 0.00001; gnomAD 0.00001; gnomAD exomes 0.00001 and 0.00006; TOPMed 0.00003.

Submission:

Labcorp Genetics (formerly Invitae), Labcorp
Classification: Uncertain significance. Last evaluated: 2024-08-30. Review status: criteria provided, single submitter. Criteria: Invitae Variant Classification Sherloc (09022015). Collection method: clinical testing. Allele origin: germline.
Comment: This sequence change replaces alanine, which is neutral and non-polar, with valine, which is neutral and non-polar, at codon 438 of the CCDC8 protein (p.Ala438Val). This variant is present in population databases (rs780054915, gnomAD 0.002%). This variant has not been reported in the literature in individuals affected with CCDC8-related conditions. ClinVar contains an entry for this variant (Variation ID: 1438984). An algorithm developed to predict the effect of missense changes on protein structure and function outputs the following: PolyPhen-2: "Possibly Damaging". The valine amino acid residue is found in multiple mammalian species, which suggests that this missense change does not adversely affect protein function. In summary, the available evidence is currently insufficient to determine the role of this variant in disease. Therefore, it has been classified as a Variant of Uncertain Significance.

NM_032040.5(CCDC8):c.1313C>T (p.Ala438Val)

Gene: CCDC8 (coiled-coil domain containing 8 subunit of 3M complex; minus strand). Cytogenetic location: 19q13.32.
Variant type: single nucleotide variant.
Coding change: c.1313C>T on transcript NM_032040.5 (MANE Select); coding-DNA position 1313, C replaced by T.
Protein change: p.Ala438Val; replaces alanine 438 with valine.
Molecular consequence: missense variant.
Genome position (GRCh38, 1-based): chr19:46,411,498, G>A on the plus strand (C>T on the coding strand, the complement: CCDC8 is on the minus strand). VCF-style: chr19-46411498-G-A. GRCh37 (hg19) VCF-style: chr19-46914755-G-A.
Other names: short protein forms A438V.
Identifiers: ClinVar variation 1438984 (VCV001438984.7), dbSNP rs780054915, ClinGen allele CA9528502.
Genomic context (GRCh38, chr19:46,411,498, plus strand): 5'-GCTGAGACTTCAGCTTCCTGGATACCTGGGGCCCCTGCCCTCTGATTATGTGCAGCCTCT[G>A]CCCTCTGGCCAGCCCGGGCCTGTGCCCTCTGATTATCTGCACCCTGGACAGCTGGGGCCC-3'
Protein context (NP_114429.2, residues 428-448): QRAQARAGQR[Ala438Val]EAAHNQRAGA